The following is an entry in ClinVar:

ClinVar aggregate classification (germline): Pathogenic (1 of 4 stars; one submission).

Conditions:
Joubert syndrome. Also called: CEREBELLOPARENCHYMAL DISORDER IV; JOUBERT-BOLTSHAUSER SYNDROME; Familial aplasia of the vermis. Identifiers: Orphanet 475, MedGen C5979921, MONDO:0018772.
Meckel-Gruber syndrome. Also called: DYSENCEPHALIA SPLANCHNOCYSTICA; GRUBER SYNDROME; Dysencephalia splachnocystica. Identifiers: Orphanet 564, MedGen C0265215, MONDO:0018921.

Submission:

Labcorp Genetics (formerly Invitae), Labcorp
Classification: Pathogenic for Joubert syndrome; Meckel-Gruber syndrome. Last evaluated: 2022-12-29. Review status: criteria provided, single submitter. Criteria: Invitae Variant Classification Sherloc (09022015). Collection method: clinical testing. Allele origin: germline.
Comment: For these reasons, this variant has been classified as Pathogenic. This variant has not been reported in the literature in individuals affected with RPGRIP1L-related conditions. This variant is not present in population databases (gnomAD no frequency). This sequence change creates a premature translational stop signal (p.Glu764Argfs*28) in the RPGRIP1L gene. It is expected to result in an absent or disrupted protein product. Loss-of-function variants in RPGRIP1L are known to be pathogenic (PMID: 17558409).

Literature cited by the submitters: PubMed 17558409.

NM_015272.5(RPGRIP1L):c.2288dup (p.Glu764fs)

Gene: RPGRIP1L (RPGRIP1 like; minus strand). Cytogenetic location: 16q12.2.
Variant type: Duplication.
Coding change: c.2288dup on transcript NM_015272.5 (MANE Select); coding-DNA position 2288, one base duplicated (C; older notation c.2288dupC).
Protein change: p.Glu764fs; shifts the reading frame from glutamic acid 764.
Molecular consequence: frameshift variant.
Genome position (GRCh38, 1-based): chr16:53,648,980, G duplicated on the plus strand (C on the coding strand, the reverse complement: RPGRIP1L is on the minus strand); the first of 2 consecutive G bases (chr16:53,648,980-53,648,981); duplicating either gives the same sequence. VCF-style (leftmost placement, unchanged base first): chr16-53648979-T-TG. GRCh37 (hg19) VCF-style: chr16-53682891-T-TG.
Other names: c.2288dup, p.Glu764fs (NM_001127897.4, NM_001308334.3, NM_001330538.2); short protein forms E764fs.
Identifiers: ClinVar variation 2942545 (VCV002942545.3), dbSNP rs2544153133, ClinGen allele CA2740093359.